The following is an entry in ClinVar:

ClinVar aggregate classification (germline): Likely benign (1 of 4 stars; one submission).

Allele frequency attached by ClinVar (database versions not stated): ExAC 0.00041; 1000 Genomes Project 0.00140; 1000 Genomes Project 30x 0.00156.
gnomAD v4.1: 4,747 of 1,536,058 alleles (0.31%); highest among the groups gnomAD compares: Non-Finnish European, 0.38%; 7 homozygotes.

Submission:

CeGaT Center for Human Genetics Tuebingen
Classification: Likely benign. Last evaluated: 2022-09-01. Review status: criteria provided, single submitter. Criteria: CeGaT Center For Human Genetics Tuebingen Variant Classification Criteria Version 2. Collection method: clinical testing. Allele origin: germline. Affected: yes. Observed: 2 variant alleles.
Comment: C4orf50: BP4, BP7

NM_001364689.3(C4orf50):c.3267C>T (p.Asn1089=)

Gene: C4orf50 (chromosome 4 open reading frame 50; minus strand). Cytogenetic location: 4p16.2.
Variant type: single nucleotide variant.
Coding change: c.3267C>T on transcript NM_001364689.3 (MANE Select); coding-DNA position 3267, C replaced by T.
Protein change: p.Asn1089=; no amino-acid change (asparagine 1089 retained).
Molecular consequence: synonymous variant.
Genome position (GRCh38, 1-based): chr4:5,988,779, G>A on the plus strand (C>T on the coding strand, the complement: C4orf50 is on the minus strand). VCF-style: chr4-5988779-G-A. GRCh37 (hg19) VCF-style: chr4-5990506-G-A.
Other names: c.2730C>T, p.Asn910= (NM_001364690.2).
Identifiers: ClinVar variation 2654615 (VCV002654615.24), dbSNP rs148575061, ClinGen allele CA2837884.